The following is an entry in ClinVar:

NM_001330260.2(SCN8A):c.1420C>T (p.Pro474Ser)

Gene: SCN8A (sodium voltage-gated channel alpha subunit 8; plus strand). Cytogenetic location: 12q13.13.
Variant type: single nucleotide variant.
Coding change: c.1420C>T on transcript NM_001330260.2 (MANE Select); coding-DNA position 1420, C replaced by T.
Protein change: p.Pro474Ser; replaces proline 474 with serine.
Molecular consequence: missense variant.
Genome position (GRCh38, 1-based): chr12:51,706,500, C>T. VCF-style: chr12-51706500-C-T. GRCh37 (hg19) VCF-style: chr12-52100284-C-T.
Other names: c.1420C>T, p.Pro474Ser (NM_001177984.3, NM_001369788.1, NM_014191.4); short protein forms P474S.
Identifiers: ClinVar variation 1406186 (VCV001406186.11), dbSNP rs1160066733, ClinGen allele CA385228763.
Genomic context (GRCh38, chr12:51,706,500, plus strand): 5'-TCAGCAGGAACTGTCTCAGAAGATGCCATAGAGGAAGAAGGTGAAGAAGGAGGGGGCTCC[C>T]CTCGGAGCTCTTCTGAAATCTCTAAACTCAGCTCAAAGAGTGCAAAGGAAAGACGTAACA-3'
Protein context (NP_001317189.1, residues 464-484): EEEGEEGGGS[Pro474Ser]RSSSEISKLS

ClinVar aggregate classification (germline): Uncertain significance. Review status: criteria provided, multiple submitters, no conflicts (2 of 4 stars). 2 submissions from 2 submitters: Uncertain significance (2). Last evaluated 2023-08-04.

Conditions:
Early-infantile DEE. Also called: Ohtahara syndrome; Early infantile epileptic encephalopathy with suppression bursts; Early infantile epileptic encephalopathy. Identifiers: Orphanet 1934, MedGen C0393706, MONDO:0800491.
Seizures, benign familial infantile, 5 (BFIS5). Also called: CONVULSIONS, BENIGN FAMILIAL INFANTILE, 5. Identifiers: Orphanet 306, MedGen C4310728, MONDO:0014903, OMIM 617080.
Developmental and epileptic encephalopathy, 13 (DEE13). Also called: Developmental and Epileptic Encephalopathy (SCN8A-DEE); Early infantile epileptic encephalopathy 13; SCN8A-Related Epilepsy. Identifiers: Orphanet 442835, MedGen C3281191, MONDO:0013801, OMIM 614558.
Myoclonus, familial, 2. Identifiers: MedGen C5193056, MONDO:0100092, OMIM 618364.
Cognitive impairment with or without cerebellar ataxia (CIAT). Identifiers: MedGen C3280415, MONDO:0013680, OMIM 614306.

Allele frequency attached by ClinVar (database versions not stated): gnomAD exomes below 0.00001; TOPMed below 0.00001.
gnomAD v4.1: 2 of 1,605,014 alleles (0.00012%); highest among the groups gnomAD compares: Non-Finnish European, 0.00017%; no homozygotes.

Submissions (2):

Labcorp Genetics (formerly Invitae), Labcorp
Classification: Uncertain significance for Early-infantile DEE. Last evaluated: 2023-08-04. Review status: criteria provided, single submitter. Criteria: Invitae Variant Classification Sherloc (09022015). Collection method: clinical testing. Allele origin: germline.
Comment: This sequence change replaces proline, which is neutral and non-polar, with serine, which is neutral and polar, at codon 474 of the SCN8A protein (p.Pro474Ser). This variant is not present in population databases (gnomAD no frequency). This variant has not been reported in the literature in individuals affected with SCN8A-related conditions. ClinVar contains an entry for this variant (Variation ID: 1406186). Advanced modeling of protein sequence and biophysical properties (such as structural, functional, and spatial information, amino acid conservation, physicochemical variation, residue mobility, and thermodynamic stability) performed at Invitae indicates that this missense variant is not expected to disrupt SCN8A protein function. In summary, the available evidence is currently insufficient to determine the role of this variant in disease. Therefore, it has been classified as a Variant of Uncertain Significance.

Fulgent Genetics
Classification: Uncertain significance for Cognitive impairment with or without cerebellar ataxia; Developmental and epileptic encephalopathy, 13; Seizures, benign familial infantile, 5; Myoclonus, familial, 2. Last evaluated: 2022-05-25. Review status: criteria provided, single submitter. Criteria: ACMG Guidelines, 2015. Collection method: clinical testing. Allele origin: unknown.